The following is an entry in ClinVar:

NM_000814.6(GABRB3):c.241-3921G>A

Gene: GABRB3 (gamma-aminobutyric acid type A receptor subunit beta3; minus strand). Cytogenetic location: 15q12.
Variant type: single nucleotide variant.
Coding change: c.241-3921G>A on transcript NM_000814.6 (MANE Select); 3921 bases into the intron before coding-DNA position 241, G replaced by A.
Molecular consequence: intron variant. On other transcripts: non-coding transcript variant (1).
Genome position (GRCh38, 1-based): chr15:26,625,455, C>T on the plus strand (G>A on the coding strand, the complement: GABRB3 is on the minus strand). VCF-style: chr15-26625455-C-T. GRCh37 (hg19) VCF-style: chr15-26870602-C-T.
Other names: NC_000015.9:g.26870602C>T; c.241-3921G>A (NM_021912.5); c.-15-3921G>A (NM_001278631.2, NM_001191320.2); c.27+3522G>A (NM_001191321.3).
Identifiers: ClinVar variation 3256811 (VCV003256811.3).
Genomic context (GRCh38, chr15:26,625,455, plus strand): 5'-GCATCCCATACATCCCAGGGAAGTCACCAATTTTTACCTTTGCAATGATGTGGCATGAAC[C>T]AAAGAGAAGAGCACAGTCACAAAGAGATGGAATTTGCATGGGATGGAGAGTCTGTCAGAG-3'

ClinVar aggregate classification (germline): Benign (1 of 4 stars; one submission).

gnomAD v4.1: 150,761 of 983,684 alleles (15%); highest among the groups gnomAD compares: African/African-American, 22%; 11,805 homozygotes.

Submissions (3):

Unidad de Genómica Garrahan, Hospital de Pediatría Garrahan
Classification: Benign. Last evaluated: 2024-07-31. Review status: criteria provided, single submitter. Criteria: ACMG Guidelines, 2015. Collection method: clinical testing. Allele origin: germline. Affected: no. Observed: 36 variant alleles.
Comment: This variant is classified as Benign based on local population frequency. This variant was detected in 39% of patients studied in a panel designed for Epileptic and Developmental Encephalopathy, Progressive Myoclonus Epilepsy and Abnormal Movements and Neurodegeneration with brain iron accumulation. Number of patients: 36. Only high quality variants are reported.

Dr. Peter K. Rogan Lab, Western University
No classification provided (evidence only). Condition: Acute myeloid leukemia. Review status: no classification provided. Collection method: in vitro. Allele origin: not applicable. Functional consequence: retained intron. Not counted in ClinVar's aggregate classification.

Dr. Peter K. Rogan Lab, Western University
No classification provided (evidence only). Condition: Acute myeloid leukemia. Review status: no classification provided. Collection method: in vitro. Allele origin: not applicable. Functional consequence: retained intron. Not counted in ClinVar's aggregate classification.